The following is an entry in ClinVar:

ClinVar aggregate classification (germline): Uncertain significance (1 of 4 stars; one submission).

Conditions:
Hereditary hemorrhagic telangiectasia (HHT). Also called: ORW DISEASE; Osler Weber Rendu syndrome; OSLER-RENDU-WEBER DISEASE; Osler hemorrhagic telangiectasia syndrome. Identifiers: Orphanet 774, MedGen C0039445, MONDO:0019180. Disease mechanism: loss of function.

gnomAD v4.1: 1 of 1,614,056 alleles (0.000062%); highest among the groups gnomAD compares: Non-Finnish European, 0.000085%; no homozygotes.

Submission:

Labcorp Genetics (formerly Invitae), Labcorp
Classification: Uncertain significance for Hereditary hemorrhagic telangiectasia. Last evaluated: 2023-06-16. Review status: criteria provided, single submitter. Criteria: Invitae Variant Classification Sherloc (09022015). Collection method: clinical testing. Allele origin: germline.
Comment: In summary, the available evidence is currently insufficient to determine the role of this variant in disease. Therefore, it has been classified as a Variant of Uncertain Significance. Advanced modeling of protein sequence and biophysical properties (such as structural, functional, and spatial information, amino acid conservation, physicochemical variation, residue mobility, and thermodynamic stability) has been performed at Invitae for this missense variant, however the output from this modeling did not meet the statistical confidence thresholds required to predict the impact of this variant on ENG protein function. This variant has not been reported in the literature in individuals affected with ENG-related conditions. This variant is not present in population databases (gnomAD no frequency). This sequence change replaces arginine, which is basic and polar, with glycine, which is neutral and non-polar, at codon 153 of the ENG protein (p.Arg153Gly).

NM_001114753.3(ENG):c.457A>G (p.Arg153Gly)

Gene: ENG (endoglin; minus strand). Cytogenetic location: 9q34.11.
Variant type: single nucleotide variant.
Coding change: c.457A>G on transcript NM_001114753.3 (MANE Select); coding-DNA position 457, A replaced by G.
Protein change: p.Arg153Gly; replaces arginine 153 with glycine.
Molecular consequence: missense variant. On other transcripts: 5 prime UTR variant (1).
Genome position (GRCh38, 1-based): chr9:127,826,576, T>C on the plus strand (A>G on the coding strand, the complement: ENG is on the minus strand). VCF-style: chr9-127826576-T-C. GRCh37 (hg19) VCF-style: chr9-130588855-T-C.
Other names: c.457A>G, p.Arg153Gly (NM_000118.4, NM_001406715.1); c.-90A>G (NM_001278138.2); short protein forms R153G.
Identifiers: ClinVar variation 2898684 (VCV002898684.3), dbSNP rs1323149703, ClinGen allele CA374984231.